The following is an entry in ClinVar:

ClinVar aggregate classification (germline): Benign (1 of 4 stars; one submission).

gnomAD v4.1: 19,980 of 1,613,262 alleles (1.2%); highest among the groups gnomAD compares: Non-Finnish European, 1.3%; 188 homozygotes.

Submission:

CeGaT Center for Human Genetics Tuebingen
Classification: Benign. Last evaluated: 2026-06-01. Review status: criteria provided, single submitter. Criteria: CeGaT Center For Human Genetics Tuebingen Variant Classification Criteria Version 2. Collection method: clinical testing. Allele origin: germline. Affected: yes. Observed: 3 variant alleles.
Comment: MUC5B: BP4, BS1, BS2

NM_002458.3(MUC5B):c.9083C>G (p.Thr3028Arg)

Genes: MUC5B (mucin 5B, oligomeric mucus/gel-forming; plus strand), MUC5B-AS1 (MUC5B antisense RNA 1; minus strand). Cytogenetic location: 11p15.5.
Variant type: single nucleotide variant.
Coding change: c.9083C>G on transcript NM_002458.3 (MANE Select); coding-DNA position 9083, C replaced by G.
Protein change: p.Thr3028Arg; replaces threonine 3028 with arginine.
Molecular consequence: missense variant.
Genome position (GRCh38, 1-based): chr11:1,245,963, C>G. VCF-style: chr11-1245963-C-G. GRCh37 (hg19) VCF-style: chr11-1267193-C-G.
Other names: short protein forms T3028R.
Identifiers: ClinVar variation 3770490 (VCV003770490.13).